The following is an entry in ClinVar:

NM_002074.5(GNB1):c.814G>A (p.Gly272Arg)

Gene: GNB1 (G protein subunit beta 1; minus strand). Cytogenetic location: 1p36.33.
Variant type: single nucleotide variant.
Coding change: c.814G>A on transcript NM_002074.5 (MANE Select); coding-DNA position 814, G replaced by A.
Protein change: p.Gly272Arg; replaces glycine 272 with arginine.
Molecular consequence: missense variant.
Genome position (GRCh38, 1-based): chr1:1,789,155, C>T on the plus strand (G>A on the coding strand, the complement: GNB1 is on the minus strand). VCF-style: chr1-1789155-C-T. GRCh37 (hg19) VCF-style: chr1-1720594-C-T.
Other names: c.514G>A, p.Gly172Arg (NM_001282538.2); c.814G>A, p.Gly272Arg (NM_001282539.2); short protein forms G172R, G272R.
Identifiers: ClinVar variation 3024332 (VCV003024332.3), dbSNP rs1356733529, ClinGen allele CA337904140.

ClinVar aggregate classification (germline): Conflicting classifications of pathogenicity. Review status: criteria provided, conflicting classifications (1 of 4 stars). 2 submissions from 2 submitters: Likely pathogenic (1); Uncertain significance (1). Last evaluated 2024-11-03.

Conditions:
Intellectual developmental disorder, autosomal dominant 42. Also called: GNB1 Encephalopathy; Intellectual disability, autosomal dominant 42; Global developmental delay-neuro-ophthalmological abnormalities-seizures-intellectual disability syndrome. Identifiers: Orphanet 488613, MedGen C4310774, MONDO:0014855, OMIM 616973.
Myelodysplastic syndrome (MDS). Also called: MYELODYSPLASTIC SYNDROME, SUSCEPTIBILITY TO; Myelodysplastic syndromes; Myelodysplastic syndrome, somatic. Identifiers: Orphanet 52688, MedGen C3463824, MeSH D009190, MONDO:0018881, OMIM 614286.
Acute lymphoid leukemia (ALL). Also called: Acute lymphoblastic leukemia; Acute lymphocytic leukemia; Lymphoblastic leukemia; Leukemia, acute lymphoblastic, somatic. Identifiers: Orphanet 513, MedGen C0023449, MONDO:0004967, OMIM 613065, HP:0006721.

Allele frequency attached by ClinVar (database versions not stated): gnomAD exomes below 0.00001.
gnomAD v4.1: 2 of 1,614,026 alleles (0.00012%); highest among the groups gnomAD compares: African/African-American, 0.0013%; no homozygotes.

Submissions (2):

Labcorp Genetics (formerly Invitae), Labcorp
Classification: Uncertain significance. Last evaluated: 2024-11-03. Review status: criteria provided, single submitter. Criteria: Invitae Variant Classification Sherloc (09022015). Collection method: clinical testing. Allele origin: germline.
Comment: This sequence change replaces glycine, which is neutral and non-polar, with arginine, which is basic and polar, at codon 272 of the GNB1 protein (p.Gly272Arg). This variant is present in population databases (no rsID available, gnomAD 0.007%). This variant has not been reported in the literature in individuals affected with GNB1-related conditions. ClinVar contains an entry for this variant (Variation ID: 3024332). Invitae Evidence Modeling of protein sequence and biophysical properties (such as structural, functional, and spatial information, amino acid conservation, physicochemical variation, residue mobility, and thermodynamic stability) indicates that this missense variant is expected to disrupt GNB1 protein function with a positive predictive value of 80%. In summary, the available evidence is currently insufficient to determine the role of this variant in disease. Therefore, it has been classified as a Variant of Uncertain Significance.

Molecular Genetics Lab, CHRU Brest
Classification: Likely pathogenic for Intellectual developmental disorder, autosomal dominant 42; Myelodysplastic syndrome; Acute lymphoid leukemia. Review status: criteria provided, single submitter. Criteria: ACMG Guidelines, 2015. Collection method: clinical testing. Allele origin: de novo. Affected: yes.